The following is an entry in ClinVar:

NM_139058.3(ARX):c.743_766del (p.240EEELLEDD[1])

Gene: ARX (aristaless related homeobox; minus strand). Cytogenetic location: Xp21.3.
Variant type: Deletion.
Coding change: c.743_766del on transcript NM_139058.3 (MANE Select); coding-DNA positions 743 to 766, 24 bases deleted (AGGAGGAGCTGCTGGAGGACGACG).
Protein change: p.240EEELLEDD[1].
Molecular consequence: inframe deletion.
Genome position (GRCh38, 1-based): chrX:25,013,229-25,013,252, CGTCGTCCTCCAGCAGCTCCTCCT deleted on the plus strand (AGGAGGAGCTGCTGGAGGACGACG on the coding strand, the reverse complement: ARX is on the minus strand); deleting any 24 consecutive bases within chrX:25,013,229-25,013,268 gives the same sequence; the c. name uses the placement nearest the transcript's 3' end. VCF-style (leftmost placement, unchanged base first): chrX-25013228-GCGTCGTCCTCCAGCAGCTCCTCCT-G. GRCh37 (hg19) VCF-style: chrX-25031345-GCGTCGTCCTCCAGCAGCTCCTCCT-G.
Other names: c.743_766del24 (NM_139058.2).
Identifiers: ClinVar variation 954428 (VCV000954428.9), dbSNP rs1473310605, ClinGen allele CA641364630.
Genomic context (GRCh38, chrX:25,013,228, plus strand): 5'-GCGGCCACGGCGCCAGTGGCGGCCACAGGACAGCGCCGGGGCTCCTTGAGCAGCGCGCGG[GCGTCGTCCTCCAGCAGCTCCTCCT>G]CGTCGTCCTCCAGCAGTTCCTCTTCCTCGTCCTCATCTTCTTCGTCCTCCAGCAGCTCCT-3'

ClinVar aggregate classification (germline): Uncertain significance. Review status: criteria provided, multiple submitters, no conflicts (2 of 4 stars). 2 submissions from 2 submitters: Uncertain significance (2). Last evaluated 2025-04-11.

Conditions:
Inborn genetic diseases. Identifiers: MedGen C0950123, MeSH D030342.
Developmental and epileptic encephalopathy, 1 (DEE1). Also called: INFANTILE SPASM SYNDROME, X-LINKED 1; Epileptic encephalopathy, early infantile, 1; Tonic spasms with clustering, arrest of psychomotor development and hypsarrhythmia on EEG; X-Linked Infantile Spasm Syndrome; X-linked infantile spasms; West's syndrome. Identifiers: MedGen C3463992, MONDO:0010632, OMIM 308350. Disease mechanism: loss of function.
Intellectual disability, X-linked, with or without seizures, ARX-related. Also called: MENTAL RETARDATION, X-LINKED 29; MENTAL RETARDATION, X-LINKED 32; MENTAL RETARDATION, X-LINKED 33; MENTAL RETARDATION, X-LINKED 38; MENTAL RETARDATION, X-LINKED 43; MENTAL RETARDATION, X-LINKED 76. Identifiers: Orphanet 777, MedGen C0796244, MONDO:0010317, OMIM 300419.

Submissions (2):

Labcorp Genetics (formerly Invitae), Labcorp
Classification: Uncertain significance for Developmental and epileptic encephalopathy, 1; Intellectual disability, X-linked, with or without seizures, ARX-related. Last evaluated: 2025-04-11. Review status: criteria provided, single submitter. Criteria: Invitae Variant Classification Sherloc (09022015). Collection method: clinical testing. Allele origin: germline.
Comment: This variant, c.743_766del, results in the deletion of 8 amino acid(s) of the ARX protein (p.Glu248_Asp255del), but otherwise preserves the integrity of the reading frame. This variant is present in population databases (no rsID available, gnomAD 0.002%), including at least one homozygous and/or hemizygous individual. This variant has not been reported in the literature in individuals affected with ARX-related conditions. ClinVar contains an entry for this variant (Variation ID: 954428). Experimental studies and prediction algorithms are not available or were not evaluated, and the functional significance of this variant is currently unknown. In summary, the available evidence is currently insufficient to determine the role of this variant in disease. Therefore, it has been classified as a Variant of Uncertain Significance.

Ambry Genetics
Classification: Uncertain significance for Inborn genetic diseases. Last evaluated: 2022-03-25. Review status: criteria provided, single submitter. Criteria: Ambry Variant Classification Scheme 2023. Collection method: clinical testing. Allele origin: germline.
Comment: The c.743_766del24 (p.E248_D255del) alteration is located in exon 2 (coding exon 2) of the ARX gene. This alteration consists of an in-frame deletion of 24 nucleotides between nucleotide positions c.743 and c.766, resulting in the deletion of <NA> residues. Based on insufficient or conflicting evidence, the clinical significance of this alteration remains unclear.